The following is an entry in ClinVar:

ClinVar aggregate classification (germline): Pathogenic. Review status: criteria provided, multiple submitters, no conflicts (2 of 4 stars). 3 submissions from 3 submitters: Pathogenic (3). Last evaluated 2025-07-31.

Conditions:
Hereditary cancer-predisposing syndrome. Also called: Hereditary Cancer Syndrome; Neoplastic Syndromes, Hereditary; Hereditary neoplastic syndrome; Tumor predisposition. Identifiers: Orphanet 140162, MedGen C0027672, MeSH D009386, MONDO:0015356.
Hereditary nonpolyposis colorectal neoplasms. Identifiers: MedGen C0009405, MeSH D003123.
Lynch syndrome 5 (LYNCH5). Also called: Hereditary non-polyposis colorectal cancer, type 5; Colorectal cancer, hereditary nonpolyposis, type 5. Identifiers: Orphanet 144, MedGen C1833477, MONDO:0013710, OMIM 614350. Disease mechanism: loss of function.

Submissions (3):

Ambry Genetics
Classification: Pathogenic for Hereditary cancer-predisposing syndrome. Last evaluated: 2025-07-31. Review status: criteria provided, single submitter. Criteria: Ambry Variant Classification Scheme 2023. Collection method: clinical testing. Allele origin: germline.
Comment: The c.3439-2A>T intronic pathogenic mutation results from an A to T substitution two nucleotides upstream from coding exon 6 in the MSH6 gene. This variant is considered to be rare based on population cohorts in the Genome Aggregation Database (gnomAD). In silico splice site analysis predicts that this alteration will weaken the native splice acceptor site. RNA studies have demonstrated that this alteration results in abnormal splicing in the set of samples tested (Ambry internal data). Another alteration impacting the same acceptor site (c.3439-2A>G) has been detected in individuals with Lynch syndrome associated tumors that demonstrated loss of MSH6 staining on IHC (Ambry internal data). Alterations that disrupt the canonical splice site are expected to cause aberrant splicing, resulting in an abnormal protein or a transcript that is subject to nonsense-mediated mRNA decay. As such, this alteration is classified as a disease-causing mutation.

Myriad Genetics, Inc.
Classification: Pathogenic for Lynch syndrome 5. Last evaluated: 2023-08-23. Review status: criteria provided, single submitter. Criteria: Myriad Autosomal Dominant, Autosomal Recessive and X-Linked Classification Criteria (2023). Collection method: clinical testing. Allele origin: unknown.
Comment: This variant is considered pathogenic. This variant occurs within a consensus splice junction and is predicted to result in abnormal mRNA splicing of either an out-of-frame exon or an in-frame exon necessary for protein stability and/or normal function. This variant is strongly associated with more severe personal and family histories of cancer, typical for individuals with pathogenic variants in this gene [PMID: 27363726].

Labcorp Genetics (formerly Invitae), Labcorp
Classification: Pathogenic for Hereditary nonpolyposis colorectal neoplasms. Last evaluated: 2022-11-15. Review status: criteria provided, single submitter. Criteria: Invitae Variant Classification Sherloc (09022015). Collection method: clinical testing. Allele origin: germline.
Comment: This variant is not present in population databases (gnomAD no frequency). This sequence change affects an acceptor splice site in intron 5 of the MSH6 gene. RNA analysis indicates that disruption of this splice site induces altered splicing and may result in an absent or disrupted protein product. For these reasons, this variant has been classified as Pathogenic. Studies have shown that disruption of this splice site results in skipping of exon 6 and introduces a premature termination codon (Invitae). The resulting mRNA is expected to undergo nonsense-mediated decay. ClinVar contains an entry for this variant (Variation ID: 428363). Disruption of this splice site has been observed in individuals with clinical features of Lynch syndrome (PMID: 5559809, 10537275, 20028993, 20487569, 25980754; Invitae).

Literature cited by the submitters: PubMed 27363726 (cited by Myriad Genetics, Inc.); PubMed 5559809 (cited by Labcorp Genetics (formerly Invitae), Labcorp); PubMed 10537275 (cited by Labcorp Genetics (formerly Invitae), Labcorp); PubMed 20028993 (cited by Labcorp Genetics (formerly Invitae), Labcorp); PubMed 20487569 (cited by Labcorp Genetics (formerly Invitae), Labcorp); PubMed 25980754 (cited by Labcorp Genetics (formerly Invitae), Labcorp).

NM_000179.3(MSH6):c.3439-2A>T

Gene: MSH6 (mutS homolog 6; plus strand). Cytogenetic location: 2p16.3.
Variant type: single nucleotide variant.
Coding change: c.3439-2A>T on transcript NM_000179.3 (MANE Select); the canonical splice acceptor site of the intron before coding-DNA position 3439, A replaced by T.
Molecular consequence: splice acceptor variant.
Genome position (GRCh38, 1-based): chr2:47,804,908, A>T. VCF-style: chr2-47804908-A-T. GRCh37 (hg19) VCF-style: chr2-48032047-A-T.
Other names: c.3439-2A>T (NM_001406809.1, NM_001406796.1, NM_001406808.1 and 1 more transcripts); c.2533-2A>T (NM_001406811.1, NM_001406814.1, NM_001281493.2 and 6 more transcripts); c.3142-2A>T (NM_001406805.1, NM_001406797.1, NM_001406801.1 and 10 more transcripts); c.3535-2A>T (NM_001406795.1, NM_001406802.1); c.3445-2A>T (NM_001406813.1); c.2914-2A>T (NM_001406807.1, NM_001406799.1, NM_001406806.1); c.3265-2A>T (NM_001406798.1); c.2575-2A>T (NM_001406803.1); and 7 more.
Identifiers: ClinVar variation 428363 (VCV000428363.14), dbSNP rs267608098, ClinGen allele CA346759882.